The following is an entry in ClinVar:

ClinVar aggregate classification (germline): Benign. Review status: criteria provided, multiple submitters, no conflicts (2 of 4 stars). 7 submissions from 6 submitters: Benign (6). 1 of the submissions does not count toward it. Last evaluated 2025-01-31.

Conditions:
Meckel-Gruber syndrome. Also called: DYSENCEPHALIA SPLANCHNOCYSTICA; GRUBER SYNDROME; Dysencephalia splachnocystica. Identifiers: Orphanet 564, MedGen C0265215, MONDO:0018921.
Joubert syndrome. Also called: CEREBELLOPARENCHYMAL DISORDER IV; Familial aplasia of the vermis; JOUBERT-BOLTSHAUSER SYNDROME. Identifiers: Orphanet 475, MedGen C5979921, MONDO:0018772.
Meckel syndrome, type 5 (MKS5). Identifiers: Orphanet 564, MedGen C1969052, MONDO:0012695, OMIM 611561.
Joubert syndrome 7 (JBTS7). Identifiers: Orphanet 220497, MedGen C1969053, MONDO:0012694, OMIM 611560.

Allele frequency attached by ClinVar (database versions not stated): gnomAD exomes 0.33899; ExAC 0.35750; gnomAD 0.39281 and 0.39420; ESP Exome Variant Server 0.40360; TOPMed 0.40876; 1000 Genomes Project 30x 0.48376; 1000 Genomes Project 0.48462.
gnomAD v4.1: 364,760 of 1,132,226 alleles (32%); highest among the groups gnomAD compares: African/African-American, 63%; 66,730 homozygotes.

Submissions (7):

Labcorp Genetics (formerly Invitae), Labcorp
Classification: Benign for Joubert syndrome; Meckel-Gruber syndrome. Last evaluated: 2025-01-31. Review status: criteria provided, single submitter. Criteria: Invitae Variant Classification Sherloc (09022015). Collection method: clinical testing. Allele origin: germline.

Genome-Nilou Lab
Classification: Benign for Joubert syndrome 7. Last evaluated: 2021-07-10. Review status: criteria provided, single submitter. Criteria: ACMG Guidelines, 2015. Collection method: clinical testing. Allele origin: germline. Affected: no.

Genome-Nilou Lab
Classification: Benign for Meckel syndrome, type 5. Last evaluated: 2021-07-10. Review status: criteria provided, single submitter. Criteria: ACMG Guidelines, 2015. Collection method: clinical testing. Allele origin: germline. Affected: no.

GeneDx
Classification: Benign. Last evaluated: 2018-06-14. Review status: criteria provided, single submitter. Criteria: GeneDx Variant Classification (06012015). Collection method: clinical testing. Allele origin: germline. Affected: yes.
Comment: This variant is considered likely benign or benign based on one or more of the following criteria: it is a conservative change, it occurs at a poorly conserved position in the protein, it is predicted to be benign by multiple in silico algorithms, and/or has population frequency not consistent with disease.

Breakthrough Genomics
Classification: Benign. Review status: criteria provided, single submitter. Criteria: ACMG Guidelines, 2015. Collection method: not provided. Allele origin: germline. Inheritance: Autosomal recessive inheritance. Affected: yes.

PreventionGenetics, part of Exact Sciences
Classification: Benign. Review status: criteria provided, single submitter. Criteria: ACMG Guidelines, 2015. Collection method: clinical testing. Allele origin: germline.

Genetic Services Laboratory, University of Chicago
Classification: Likely benign for AllHighlyPenetrant. Review status: no assertion criteria provided. Collection method: clinical testing. Allele origin: germline. Inheritance: Autosomal recessive inheritance. Observed: 202 variant alleles. Not counted in ClinVar's aggregate classification.
Comment: Likely benign based on allele frequency in 1000 Genomes Project or ESP global frequency and its presence in a patient with a rare or unrelated disease phenotype. NOT Sanger confirmed.

NM_015272.5(RPGRIP1L):c.2959-32G>A

Gene: RPGRIP1L (RPGRIP1 like; minus strand). Cytogenetic location: 16q12.2.
Variant type: single nucleotide variant.
Coding change: c.2959-32G>A on transcript NM_015272.5 (MANE Select); 32 bases into the intron before coding-DNA position 2959, G replaced by A.
Molecular consequence: intron variant.
Genome position (GRCh38, 1-based): chr16:53,638,443, C>T on the plus strand (G>A on the coding strand, the complement: RPGRIP1L is on the minus strand). VCF-style: chr16-53638443-C-T. GRCh37 (hg19) VCF-style: chr16-53672355-C-T.
Other names: c.2959-589G>A (NM_001127897.4, NM_001330538.2); c.2959-32G>A (NM_001308334.3).
Identifiers: ClinVar variation 126276 (VCV000126276.16), dbSNP rs7203525, ClinGen allele CA150943.